The following is an entry in ClinVar:

NM_006186.4(NR4A2):c.*933G>A

Gene: NR4A2 (nuclear receptor subfamily 4 group A member 2; minus strand). Cytogenetic location: 2q24.1.
Variant type: single nucleotide variant.
Coding change: c.*933G>A on transcript NM_006186.4 (MANE Select); 933 bases downstream of the stop codon, G replaced by A.
Molecular consequence: 3 prime UTR variant.
Genome position (GRCh38, 1-based): chr2:156,324,811, C>T on the plus strand (G>A on the coding strand, the complement: NR4A2 is on the minus strand). VCF-style: chr2-156324811-C-T. GRCh37 (hg19) VCF-style: chr2-157181323-C-T.
Other names: c.*933G>A (NM_173173.3).
Identifiers: ClinVar variation 331650 (VCV000331650.5), dbSNP rs563505935, ClinGen allele CA10612359.

ClinVar aggregate classification (germline): Likely benign (1 of 4 stars; one submission).

Conditions:
Parkinson disease, late-onset (PD). Also called: PARKINSON DISEASE, LATE-ONSET, SUSCEPTIBILITY TO; Susceptibility to Parkinson's Disease; Hereditary late onset Parkinson disease. Identifiers: Orphanet 411602, MedGen C3160718, MONDO:0008199, OMIM 168600.

Allele frequency attached by ClinVar (database versions not stated): TOPMed 0.00023; gnomAD 0.00025; 1000 Genomes Project 0.00040; 1000 Genomes Project 30x 0.00047.

Submission:

Illumina Laboratory Services, Illumina
Classification: Likely benign for Parkinson disease, late-onset. Last evaluated: 2018-01-13. Review status: criteria provided, single submitter. Criteria: ICSL Variant Classification Criteria 13 December 2019. Collection method: clinical testing. Allele origin: germline.
Comment: This variant was observed in the ICSL laboratory as part of a predisposition screen in an ostensibly healthy population. It had not been previously curated by ICSL or reported in the Human Gene Mutation Database (HGMD: prior to June 1st, 2018), and was therefore a candidate for classification through an automated scoring system. Utilizing variant allele frequency, disease prevalence and penetrance estimates, and inheritance mode, an automated score was calculated to assess if this variant is too frequent to cause the disease. Based on the score and internal cut-off values, a variant classified as likely benign is not then subjected to further curation. The score for this variant resulted in a classification of likely benign for this disease.